The following is an entry in ClinVar:

NM_001177693.2(ARHGEF28):c.712G>A (p.Ala238Thr)

Gene: ARHGEF28 (Rho guanine nucleotide exchange factor 28; plus strand). Cytogenetic location: 5q13.2.
Variant type: single nucleotide variant.
Coding change: c.712G>A on transcript NM_001177693.2 (MANE Select); coding-DNA position 712, G replaced by A.
Protein change: p.Ala238Thr; replaces alanine 238 with threonine.
Molecular consequence: missense variant.
Genome position (GRCh38, 1-based): chr5:73,776,568, G>A. VCF-style: chr5-73776568-G-A. GRCh37 (hg19) VCF-style: chr5-73072393-G-A.
Other names: c.712G>A, p.Ala238Thr (NM_001080479.3, NM_001388078.1); c.418G>A, p.Ala140Thr (NM_001388076.1); short protein forms A140T, A238T.
Identifiers: ClinVar variation 3045727 (VCV003045727.2), dbSNP rs371703887, ClinGen allele CA3304280.

ClinVar aggregate classification (germline): Uncertain significance (0 of 4 stars; one submission).

Conditions:
ARHGEF28-related disorder. Also called: ARHGEF28-related condition.

Allele frequency attached by ClinVar (database versions not stated): gnomAD 0.00001; gnomAD exomes 0.00004; ExAC 0.00006; ESP Exome Variant Server 0.00008.
gnomAD v4.1: 55 of 1,613,732 alleles (0.0034%); highest among the groups gnomAD compares: Admixed American, 0.027%; no homozygotes.

Submission:

PreventionGenetics, part of Exact Sciences
Classification: Uncertain significance for ARHGEF28-related condition. Last evaluated: 2024-01-09. Review status: no assertion criteria provided. Collection method: clinical testing. Allele origin: germline.
Comment: The ARHGEF28 c.712G>A variant is predicted to result in the amino acid substitution p.Ala238Thr. To our knowledge, this variant has not been reported in the literature. This variant is reported in 0.043% of alleles in individuals of Latino descent in gnomAD. At this time, the clinical significance of this variant is uncertain due to the absence of conclusive functional and genetic evidence.